The following is an entry in ClinVar:

NM_003331.5(TYK2):c.2036G>C (p.Arg679Pro)

Gene: TYK2 (tyrosine kinase 2; minus strand). Cytogenetic location: 19p13.2.
Variant type: single nucleotide variant.
Coding change: c.2036G>C on transcript NM_003331.5 (MANE Select); coding-DNA position 2036, G replaced by C.
Protein change: p.Arg679Pro; replaces arginine 679 with proline.
Molecular consequence: missense variant.
Genome position (GRCh38, 1-based): chr19:10,361,522, C>G on the plus strand (G>C on the coding strand, the complement: TYK2 is on the minus strand). VCF-style: chr19-10361522-C-G. GRCh37 (hg19) VCF-style: chr19-10472198-C-G.
Other names: short protein forms R679P.
Identifiers: ClinVar variation 838178 (VCV000838178.40), dbSNP rs200247986, ClinGen allele CA9193212.

ClinVar aggregate classification (germline): Conflicting classifications of pathogenicity. Review status: criteria provided, conflicting classifications (1 of 4 stars). 6 submissions from 6 submitters: Uncertain significance (5); Likely benign (1). Last evaluated 2024-07-03.

Conditions:
Immunodeficiency 35 (IMD35). Also called: TYK2 DEFICIENCY; Susceptibility to infection due to TYK2 deficiency; HIES WITH ATYPICAL MYCOBACTERIOSIS, AUTOSOMAL RECESSIVE; HYPER-IgE SYNDROME WITH ATYPICAL MYCOBACTERIOSIS, AUTOSOMAL RECESSIVE. Identifiers: Orphanet 331226, MedGen C1969086, MONDO:0012682, OMIM 611521.

Allele frequency attached by ClinVar (database versions not stated): ExAC 0.00015; 1000 Genomes Project 30x 0.00016; 1000 Genomes Project 0.00020; TOPMed 0.00020.
gnomAD v4.1: 186 of 1,545,668 alleles (0.012%); highest among the groups gnomAD compares: Middle Eastern, 0.12%; 1 homozygote.

Submissions (6):

Blueprint Genetics
Classification: Likely benign. Last evaluated: 2024-07-03. Review status: criteria provided, single submitter. Criteria: ACMG Guidelines, 2015. Collection method: clinical testing. Allele origin: germline.

Fulgent Genetics
Classification: Uncertain significance for Immunodeficiency 35. Last evaluated: 2024-05-07. Review status: criteria provided, single submitter. Criteria: ACMG Guidelines, 2015. Collection method: clinical testing. Allele origin: germline.

CeGaT Center for Human Genetics Tuebingen
Classification: Uncertain significance. Last evaluated: 2023-03-01. Review status: criteria provided, single submitter. Criteria: CeGaT Center For Human Genetics Tuebingen Variant Classification Criteria Version 2. Collection method: clinical testing. Allele origin: germline. Affected: yes. Observed: 1 variant allele.

Labcorp Genetics (formerly Invitae), Labcorp
Classification: Uncertain significance for Immunodeficiency 35. Last evaluated: 2022-08-09. Review status: criteria provided, single submitter. Criteria: Invitae Variant Classification Sherloc (09022015). Collection method: clinical testing. Allele origin: germline.
Comment: This sequence change replaces arginine, which is basic and polar, with proline, which is neutral and non-polar, at codon 679 of the TYK2 protein (p.Arg679Pro). This variant is present in population databases (rs200247986, gnomAD 0.06%). This variant has not been reported in the literature in individuals affected with TYK2-related conditions. ClinVar contains an entry for this variant (Variation ID: 838178). Algorithms developed to predict the effect of missense changes on protein structure and function are either unavailable or do not agree on the potential impact of this missense change (SIFT: "Not Available"; PolyPhen-2: "Possibly Damaging"; Align-GVGD: "Not Available"). In summary, the available evidence is currently insufficient to determine the role of this variant in disease. Therefore, it has been classified as a Variant of Uncertain Significance.

Revvity Omics, Revvity
Classification: Uncertain significance for Immunodeficiency 35. Last evaluated: 2021-03-02. Review status: criteria provided, single submitter. Criteria: ACMG Guidelines, 2015. Collection method: clinical testing. Allele origin: germline.

Illumina Laboratory Services, Illumina
Classification: Uncertain significance for Immunodeficiency 35. Last evaluated: 2018-01-13. Review status: criteria provided, single submitter. Criteria: ICSL Variant Classification Criteria 13 December 2019. Collection method: clinical testing. Allele origin: germline.